The following is an entry in ClinVar:

NM_013254.4(TBK1):c.32del (p.Leu11fs)

Gene: TBK1 (TANK binding kinase 1; plus strand). Cytogenetic location: 12q14.2.
Variant type: Deletion.
Coding change: c.32del on transcript NM_013254.4 (MANE Select); coding-DNA position 32, one base deleted (T; older notation c.32delT).
Protein change: p.Leu11fs; shifts the reading frame from leucine 11.
Molecular consequence: frameshift variant.
Genome position (GRCh38, 1-based): chr12:64,455,902, T deleted; the last of 4 consecutive T bases (chr12:64,455,899-64,455,902); deleting any one gives the same sequence. VCF-style (leftmost placement, unchanged base first): chr12-64455898-CT-C. GRCh37 (hg19) VCF-style: chr12-64849678-CT-C.
Other names: short protein forms L11fs.
Identifiers: ClinVar variation 4997801 (VCV004997801.1).
Genomic context (GRCh38, chr12:64,455,898, plus strand): 5'-AGTATAACAAGAGGATTGCCTGATCCAGCCAAGATGCAGAGCACTTCTAATCATCTGTGG[CT>C]TTTATCTGATATTTTAGGCCAAGGAGCTACTGCAAATGTCTTTCGTGGAAGACATAAGGT-3'

ClinVar aggregate classification (germline): Likely pathogenic (1 of 4 stars; one submission).

Conditions:
TBK1-related disorder. Also called: TBK1-related condition.

Submission:

PreventionGenetics, part of Exact Sciences
Classification: Likely pathogenic for TBK1-related condition. Last evaluated: 2025-06-03. Review status: criteria provided, single submitter. Criteria: ACMG Guidelines, 2015. Collection method: clinical testing. Allele origin: germline.
Comment: The TBK1 c.32delT variant is predicted to result in a frameshift and premature protein termination (p.Leu11Tyrfs*5). To our knowledge, this variant has not been reported in the literature or in a large population database (gnomAD), indicating this variant is rare. Frameshift variants in TBK1 are expected to be pathogenic. This variant is interpreted as likely pathogenic.